The following is an entry in ClinVar:

ClinVar aggregate classification (germline): Uncertain significance. Review status: criteria provided, multiple submitters, no conflicts (2 of 4 stars). 2 submissions from 2 submitters: Uncertain significance (2). Last evaluated 2024-04-04.

Conditions:
Sucrase-isomaltase deficiency (CSID). Also called: Congenital sucrose isomaltose malabsorption; Sucrose isomaltose enzyme deficiency; Deficiency of isomaltase; SI DEFICIENCY. Identifiers: Orphanet 35122, MedGen C1283620, MONDO:0009114, OMIM 222900.

Allele frequency attached by ClinVar (database versions not stated): gnomAD exomes below 0.00001 and 0.00001.

Submissions (2):

Fulgent Genetics
Classification: Uncertain significance for Sucrase-isomaltase deficiency. Last evaluated: 2024-04-04. Review status: criteria provided, single submitter. Criteria: ACMG Guidelines, 2015. Collection method: clinical testing. Allele origin: germline.

Labcorp Genetics (formerly Invitae), Labcorp
Classification: Uncertain significance. Last evaluated: 2022-03-23. Review status: criteria provided, single submitter. Criteria: Invitae Variant Classification Sherloc (09022015). Collection method: clinical testing. Allele origin: germline.
Comment: This variant has not been reported in the literature in individuals affected with SI-related conditions. This sequence change affects the initiator methionine of the SI mRNA. The next in-frame methionine is located at codon 119. This variant is present in population databases (no rsID available, gnomAD 0.0009%). Algorithms developed to predict the effect of sequence changes on RNA splicing suggest that this variant may create or strengthen a splice site. In summary, the available evidence is currently insufficient to determine the role of this variant in disease. Therefore, it has been classified as a Variant of Uncertain Significance.

NM_001041.4(SI):c.3G>A (p.Met1Ile)

Gene: SI (sucrase-isomaltase; minus strand). Cytogenetic location: 3q26.1.
Variant type: single nucleotide variant.
Coding change: c.3G>A on transcript NM_001041.4 (MANE Select); coding-DNA position 3, G replaced by A.
Protein change: p.Met1Ile; changes the start codon (methionine 1).
Molecular consequence: missense variant, initiator codon variant.
Genome position (GRCh38, 1-based): chr3:165,076,010, C>T on the plus strand (G>A on the coding strand, the complement: SI is on the minus strand). VCF-style: chr3-165076010-C-T. GRCh37 (hg19) VCF-style: chr3-164793798-C-T.
Other names: short protein forms M1I.
Identifiers: ClinVar variation 1471781 (VCV001471781.10), dbSNP rs1427661221, ClinGen allele CA355038627.